The following is an entry in ClinVar:

NM_001267550.2(TTN):c.70436G>A (p.Arg23479Gln)

Genes: TTN (titin; minus strand), TTN-AS1 (TTN antisense RNA 1; plus strand), LOC126806422 (BRD4-independent group 4 enhancer GRCh37_chr2:179440205-179441404; plus strand). Cytogenetic location: 2q31.2.
Variant type: single nucleotide variant.
Coding change: c.70436G>A on transcript NM_001267550.2 (MANE Select); coding-DNA position 70436, G replaced by A.
Protein change: p.Arg23479Gln; replaces arginine 23479 with glutamine.
Molecular consequence: missense variant.
Genome position (GRCh38, 1-based): chr2:178,575,696, C>T on the plus strand (G>A on the coding strand, the complement: TTN is on the minus strand). VCF-style: chr2-178575696-C-T. GRCh37 (hg19) VCF-style: chr2-179440423-C-T.
Other names: c.65513G>A, p.Arg21838Gln (NM_001256850.1); c.43241G>A, p.Arg14414Gln (NM_003319.4); c.62732G>A, p.Arg20911Gln (NM_133378.4); c.43616G>A, p.Arg14539Gln (NM_133432.3); c.43817G>A, p.Arg14606Gln (NM_133437.4); short protein forms R14414Q, R14539Q, R14606Q, R20911Q, R21838Q, R23479Q.
Identifiers: ClinVar variation 1309196 (VCV001309196.4), dbSNP rs140127488, ClinGen allele CA1990782.

ClinVar aggregate classification (germline): Uncertain significance. Review status: criteria provided, multiple submitters, no conflicts (2 of 4 stars). 2 submissions from 2 submitters: Uncertain significance (2). Last evaluated 2025-03-10.

Allele frequency attached by ClinVar (database versions not stated): gnomAD exomes 0.00001 and 0.00002; gnomAD 0.00001; ExAC 0.00002; 1000 Genomes Project 30x 0.00016; TOPMed 0.00001; 1000 Genomes Project 0.00020.
gnomAD v4.1: 25 of 1,613,490 alleles (0.0015%); highest among the groups gnomAD compares: South Asian, 0.0033%; no homozygotes.

Submissions (2):

Dasa
Classification: Uncertain significance. Last evaluated: 2025-03-10. Review status: criteria provided, single submitter. Criteria: DASA Assertion Criteria. Collection method: clinical testing. Allele origin: germline.
Comment: NM_001267550.2(TTN):c.70436G>A (p.Arg23479Gln) is a missense variant that results in the substitution of arginine with glutamine. This variant is rare in population databases. Computational prediction algorithms are consistent with a benign effect. The currently available literature and clinical evidence are not sufficient to establish a definitive association between this variant and the reported condition. Therefore, this variant is classified as a variant of uncertain significance.

GeneDx
Classification: Uncertain significance. Last evaluated: 2019-10-18. Review status: criteria provided, single submitter. Criteria: GeneDx Variant Classification Process June 2021. Collection method: clinical testing. Allele origin: germline. Affected: yes.
Comment: Not observed at a significant frequency in large population cohorts (Lek et al., 2016); Missense variant in a gene in which most reported pathogenic variants are truncating/loss-of-function; Has not been previously published as pathogenic or benign to our knowledge; In-silico analysis, which includes splice predictors and evolutionary conservation, support that the variant does not alter gene splicing. However, in the absence of RNA/functional studies, the actual effect of this sequence change is unknown.